The following is an entry in ClinVar:

ClinVar aggregate classification (germline): Pathogenic (1 of 4 stars; one submission).

Conditions:
Leber congenital amaurosis 8 (LCA8). Identifiers: Orphanet 65, MedGen C3151202, MONDO:0013453, OMIM 613835.
Retinitis pigmentosa 12 (RP12). Also called: RP WITH OR WITHOUT PRESERVED PARAARTERIOLE RETINAL PIGMENT EPITHELIUM; RETINITIS PIGMENTOSA WITH OR WITHOUT PARAARTERIOLAR PRESERVATION OF RETINAL PIGMENT EPITHELIUM; RP WITH OR WITHOUT PPRPE. Identifiers: Orphanet 791, MedGen C1838647, MONDO:0010818, OMIM 600105.

gnomAD v4.1: 5 of 1,612,566 alleles (0.00031%); highest among the groups gnomAD compares: Non-Finnish European, 0.00042%; no homozygotes.

Submission:

Labcorp Genetics (formerly Invitae), Labcorp
Classification: Pathogenic for Leber congenital amaurosis 8; Retinitis pigmentosa 12. Last evaluated: 2025-09-02. Review status: criteria provided, single submitter. Criteria: Invitae Variant Classification Sherloc (09022015). Collection method: clinical testing. Allele origin: germline.
Comment: This sequence change replaces glycine, which is neutral and non-polar, with cysteine, which is neutral and slightly polar, at codon 123 of the CRB1 protein (p.Gly123Cys). This variant is not present in population databases (gnomAD no frequency). This missense change has been observed in individual(s) with autosomal recessive familial foveal retinoschisis (PMID: 27258436). In at least one individual the data is consistent with being in trans (on the opposite chromosome) from a pathogenic variant. It has also been observed to segregate with disease in related individuals. Invitae Evidence Modeling of protein sequence and biophysical properties (such as structural, functional, and spatial information, amino acid conservation, physicochemical variation, residue mobility, and thermodynamic stability) indicates that this missense variant is expected to disrupt CRB1 protein function with a positive predictive value of 80%. For these reasons, this variant has been classified as Pathogenic.

Literature cited by the submitters: PubMed 27258436.

NM_201253.3(CRB1):c.367G>T (p.Gly123Cys)

Gene: CRB1 (crumbs cell polarity complex component 1; plus strand). Cytogenetic location: 1q31.3.
Variant type: single nucleotide variant.
Coding change: c.367G>T on transcript NM_201253.3 (MANE Select); coding-DNA position 367, G replaced by T.
Protein change: p.Gly123Cys; replaces glycine 123 with cysteine.
Molecular consequence: missense variant. On other transcripts: non-coding transcript variant (2).
Genome position (GRCh38, 1-based): chr1:197,328,718, G>T. VCF-style: chr1-197328718-G-T. GRCh37 (hg19) VCF-style: chr1-197297848-G-T.
Other names: c.367G>T, p.Gly123Cys (NM_001193640.2, NM_001257966.2); c.160G>T, p.Gly54Cys (NM_001257965.2); short protein forms G54C, G123C.
Identifiers: ClinVar variation 4783523 (VCV004783523.1).